The following is an entry in ClinVar:

NM_175739.4(SERPINA9):c.371C>T (p.Pro124Leu)

Gene: SERPINA9 (serpin family A member 9; minus strand). Cytogenetic location: 14q32.13.
Variant type: single nucleotide variant.
Coding change: c.371C>T on transcript NM_175739.4 (MANE Select); coding-DNA position 371, C replaced by T.
Protein change: p.Pro124Leu; replaces proline 124 with leucine.
Molecular consequence: missense variant. On other transcripts: intron variant (2).
Genome position (GRCh38, 1-based): chr14:94,469,470, G>A on the plus strand (C>T on the coding strand, the complement: SERPINA9 is on the minus strand). VCF-style: chr14-94469470-G-A. GRCh37 (hg19) VCF-style: chr14-94935807-G-A.
Other names: c.131C>T, p.Pro44Leu (NM_001284275.2); c.217-146C>T (NM_001042518.2); c.-19-4C>T (NM_001284276.2); short protein forms P124L, P44L.
Identifiers: ClinVar variation 2644479 (VCV002644479.24), dbSNP rs35347445, ClinGen allele CA7328221.

ClinVar aggregate classification (germline): Benign (1 of 4 stars; one submission).

Allele frequency attached by ClinVar (database versions not stated): 1000 Genomes Project 30x 0.00328; 1000 Genomes Project 0.00379; TOPMed 0.00723; gnomAD 0.00808; ExAC 0.00855; ESP Exome Variant Server 0.00930; gnomAD exomes 0.01123.
gnomAD v4.1: 17,497 of 1,614,148 alleles (1.1%); highest among the groups gnomAD compares: Non-Finnish European, 1.3%; 115 homozygotes.

Submission:

CeGaT Center for Human Genetics Tuebingen
Classification: Benign. Last evaluated: 2023-01-01. Review status: criteria provided, single submitter. Criteria: CeGaT Center For Human Genetics Tuebingen Variant Classification Criteria Version 2. Collection method: clinical testing. Allele origin: germline. Affected: yes. Observed: 1 variant allele.
Comment: SERPINA9: BP4, BS1, BS2